The following is an entry in ClinVar:

ClinVar aggregate classification (germline): Uncertain significance. Review status: criteria provided, multiple submitters, no conflicts (2 of 4 stars). 3 submissions from 3 submitters: Uncertain significance (3). Last evaluated 2023-10-06.

Conditions:
Juvenile polyposis syndrome (JPS). Identifiers: Orphanet 2929, MedGen C0345893, MONDO:0017380, OMIM 174900.
Hereditary cancer-predisposing syndrome. Also called: Hereditary Cancer Syndrome; Neoplastic Syndromes, Hereditary; Hereditary neoplastic syndrome; Tumor predisposition. Identifiers: Orphanet 140162, MedGen C0027672, MeSH D009386, MONDO:0015356.

Allele frequency attached by ClinVar (database versions not stated): ExAC 0.00001; gnomAD 0.00001.
gnomAD v4.1: 1 of 1,614,034 alleles (0.000062%); highest among the groups gnomAD compares: African/African-American, 0.0013%; no homozygotes.

Submissions (3):

All of Us Research Program, National Institutes of Health
Classification: Uncertain significance for Juvenile polyposis syndrome. Last evaluated: 2023-10-06. Review status: criteria provided, single submitter. Criteria: ACMG Guidelines, 2015. Collection method: clinical testing. Allele origin: germline. Inheritance: Autosomal dominant inheritance. Observed: 1 variant allele, 1 heterozygote.
Comment: This missense variant replaces methionine with valine at codon 427 of the BMPR1A protein. Computational prediction suggests that this variant may have deleterious impact on protein structure and function (internally defined REVEL score threshold >= 0.7, PMID: 27666373). To our knowledge, functional studies have not been reported for this variant. This variant has not been reported in individuals affected with BMPR1A-related disorders in the literature. This variant has not been identified in the general population by the Genome Aggregation Database (gnomAD). The available evidence is insufficient to determine the role of this variant in disease conclusively. Therefore, this variant is classified as a Variant of Uncertain Significance.

This study involves interpretation of variants in research participants for the purpose of population health screening. Participant phenotype was not available at the time of variant classification. Additional details can be found in publication PMID: 35346344, PMCID: PMC8962531

Ambry Genetics
Classification: Uncertain significance for Hereditary cancer-predisposing syndrome. Last evaluated: 2022-01-05. Review status: criteria provided, single submitter. Criteria: Ambry Variant Classification Scheme 2023. Collection method: clinical testing. Allele origin: germline.
Comment: The p.M427V variant (also known as c.1279A>G), located in coding exon 9 of the BMPR1A gene, results from an A to G substitution at nucleotide position 1279. The methionine at codon 427 is replaced by valine, an amino acid with highly similar properties. This amino acid position is highly conserved in available vertebrate species. In addition, this alteration is predicted to be deleterious by in silico analysis. Since supporting evidence is limited at this time, the clinical significance of this alteration remains unclear.

Labcorp Genetics (formerly Invitae), Labcorp
Classification: Uncertain significance for Juvenile polyposis syndrome. Last evaluated: 2020-02-25. Review status: criteria provided, single submitter. Criteria: Invitae Variant Classification Sherloc (09022015). Collection method: clinical testing. Allele origin: germline.
Comment: In summary, the available evidence is currently insufficient to determine the role of this variant in disease. Therefore, it has been classified as a Variant of Uncertain Significance. Algorithms developed to predict the effect of missense changes on protein structure and function (SIFT, PolyPhen-2, Align-GVGD) all suggest that this variant is likely to be tolerated, but these predictions have not been confirmed by published functional studies and their clinical significance is uncertain. This variant has not been reported in the literature in individuals with BMPR1A-related conditions. This variant is present in population databases (rs747090661, ExAC 0.02%). This sequence change replaces methionine with valine at codon 427 of the BMPR1A protein (p.Met427Val). The methionine residue is highly conserved and there is a small physicochemical difference between methionine and valine.

NM_004329.3(BMPR1A):c.1279A>G (p.Met427Val)

Gene: BMPR1A (bone morphogenetic protein receptor type 1A; plus strand). Cytogenetic location: 10q23.2.
Variant type: single nucleotide variant.
Coding change: c.1279A>G on transcript NM_004329.3 (MANE Select); coding-DNA position 1279, A replaced by G.
Protein change: p.Met427Val; replaces methionine 427 with valine.
Molecular consequence: missense variant.
Genome position (GRCh38, 1-based): chr10:86,921,632, A>G. VCF-style: chr10-86921632-A-G. GRCh37 (hg19) VCF-style: chr10-88681389-A-G.
Other names: short protein forms M427V.
Identifiers: ClinVar variation 818780 (VCV000818780.14), dbSNP rs747090661, ClinGen allele CA5585677.